The following continues an entry in ClinVar:

NM_001364171.2(ODAD1):c.853G>A (p.Ala285Thr)

Gene: ODAD1. ClinVar aggregate classification (germline): Pathogenic/Likely pathogenic. Pathogenic (12); Likely pathogenic (1).

Submissions 13 to 19 of 19:

Ambry Genetics
Classification: Pathogenic for Primary ciliary dyskinesia. Last evaluated: 2017-12-20. Review status: criteria provided, single submitter. Criteria: Ambry Variant Classification Scheme 2023. Collection method: clinical testing. Allele origin: germline.
Comment: The c.742G>A pathogenic mutation (also known as p.A248T), located in coding exon 6 of the CCDC114 gene, results from a G to A substitution at nucleotide position 742. The amino acid change results in alanine to threonine at codon 248, an amino acid with similar properties. However, this change occurs in the last base pair of coding exon 6, which makes it likely to have some effect on normal mRNA splicing. This mutation was identified in muliple individuals with primary ciliary dyskinesia in both the homozygous and compound heterozygous state (Knowles MR et al. Am. J. Hum. Genet., 2013 Jan;92:99-106; Onoufriadis A et al. Am. J. Hum. Genet., 2013 Jan;92:88-98; Boaretto F et al. J Mol Diagn, 2016 Nov;18:912-922). In addition, analysis of RNA from affected individuals homozygous for this alteration showed an insertion of 79 nucleotides, resulting in premature protein truncation (Knowles MR et al. Am. J. Hum. Genet., 2013 Jan;92:99-106; Onoufriadis A et al. Am. J. Hum. Genet., 2013 Jan;92:88-98). Based on the supporting evidence, this alteration is interpreted as a disease-causing mutation.

OMIM
Classification: Pathogenic for CILIARY DYSKINESIA, PRIMARY, 20. Last evaluated: 2013-01-10. Review status: no assertion criteria provided. Collection method: literature only. Allele origin: germline. Not counted in ClinVar's aggregate classification.

Clinical Genetics DNA and cytogenetics Diagnostics Lab, Erasmus MC, Erasmus Medical Center
Classification: Pathogenic. Review status: no assertion criteria provided. Collection method: clinical testing. Allele origin: germline. Affected: yes. Study: VKGL Data-share Consensus. Not counted in ClinVar's aggregate classification.

Dr. Peter K. Rogan Lab, Western University
No classification provided (evidence only). Condition: Familial cancer of breast. Review status: no classification provided. Collection method: in vitro. Allele origin: not applicable. Functional consequence: retained intron. Not counted in ClinVar's aggregate classification.

GeneReviews
No classification provided. Condition: Kartagener syndrome. Review status: no classification provided. Collection method: literature only. Allele origin: germline. Affected: yes. Not counted in ClinVar's aggregate classification.

Genome Diagnostics Laboratory, Amsterdam University Medical Center
Classification: Pathogenic. Review status: no assertion criteria provided. Collection method: clinical testing. Allele origin: germline. Affected: yes. Study: VKGL Data-share Consensus. Not counted in ClinVar's aggregate classification.

Joint Genome Diagnostic Labs from Nijmegen and Maastricht, Radboudumc and MUMC+
Classification: Pathogenic. Review status: no assertion criteria provided. Collection method: clinical testing. Allele origin: germline. Affected: yes. Study: VKGL Data-share Consensus. Not counted in ClinVar's aggregate classification.

Literature cited by the submitters: PubMed 23261302 (cited by 7 submitters); PubMed 23261303 (cited by 7 submitters); PubMed 17576681 (cited by Labcorp Genetics (formerly Invitae), Labcorp); PubMed 9536098 (cited by Labcorp Genetics (formerly Invitae), Labcorp); PubMed 27637300 (cited by Ambry Genetics); NCBI Bookshelf NBK1122 (cited by GeneReviews).